The following is an entry in ClinVar:

ClinVar aggregate classification (germline): Uncertain significance (1 of 4 stars; one submission).

Conditions:
Hereditary cancer-predisposing syndrome. Also called: Tumor predisposition; Neoplastic Syndromes, Hereditary; Hereditary Cancer Syndrome; Hereditary neoplastic syndrome. Identifiers: Orphanet 140162, MedGen C0027672, MeSH D009386, MONDO:0015356.

Submission:

Ambry Genetics
Classification: Uncertain significance for Hereditary cancer-predisposing syndrome. Last evaluated: 2026-02-17. Review status: criteria provided, single submitter. Criteria: Ambry Variant Classification Scheme 2023. Collection method: clinical testing. Allele origin: germline.
Comment: The c.1137+2T>C intronic variant results from a T to C substitution two nucleotides after coding exon 8 in the POLD1 gene.This nucleotide position is highly conserved in available vertebrate species. In silico splice site analysis predicts that this alteration will weaken the native splice donor site and may result in the creation or strengthening of a novel splice donor site. Variants that disrupt the canonical splice site are expected to cause aberrant splicing, resulting in an abnormal protein or a transcript that is subject to nonsense-mediated mRNA decay. However, loss of function of POLD1 has not been established as a mechanism of disease. Based on the available evidence, the clinical significance of this variant remains unclear.

NM_002691.4(POLD1):c.1137+2T>C

Gene: POLD1 (DNA polymerase delta 1, catalytic subunit; plus strand). Cytogenetic location: 19q13.33.
Variant type: single nucleotide variant.
Coding change: c.1137+2T>C on transcript NM_002691.4 (MANE Select); the canonical splice donor site of the intron after coding-DNA position 1137, T replaced by C.
Molecular consequence: splice donor variant.
Genome position (GRCh38, 1-based): chr19:50,403,221, T>C. VCF-style: chr19-50403221-T-C. GRCh37 (hg19) VCF-style: chr19-50906478-T-C.
Other names: c.1137+2T>C (NM_001256849.1, NM_001308632.1).
Identifiers: ClinVar variation 818393 (VCV000818393.5), dbSNP rs1601204944, ClinGen allele CA406978411.
Genomic context (GRCh38, chr19:50,403,221, plus strand): 5'-GTGCCCCCATCCTGGGTGCCAAGGTGCAGAGCTACGAGAAGGAGGAGGACCTGCTGCAGG[T>C]AGCTCTCGCTCCACGCCCCACACCATTTCCCGGGGTCCCCGCCAGCCTCCGCGTCCTGAG-3'